The following is an entry in ClinVar:

ClinVar aggregate classification (germline): Uncertain significance (1 of 4 stars; one submission).

Allele frequency attached by ClinVar (database versions not stated): TOPMed below 0.00001.

Submission:

Labcorp Genetics (formerly Invitae), Labcorp
Classification: Uncertain significance. Last evaluated: 2022-07-26. Review status: criteria provided, single submitter. Criteria: Invitae Variant Classification Sherloc (09022015). Collection method: clinical testing. Allele origin: germline.
Comment: This sequence change replaces leucine, which is neutral and non-polar, with proline, which is neutral and non-polar, at codon 358 of the MYO7A protein (p.Leu358Pro). This variant is not present in population databases (gnomAD no frequency). This variant has not been reported in the literature in individuals affected with MYO7A-related conditions. ClinVar contains an entry for this variant (Variation ID: 1476822). Advanced modeling of protein sequence and biophysical properties (such as structural, functional, and spatial information, amino acid conservation, physicochemical variation, residue mobility, and thermodynamic stability) performed at Invitae indicates that this missense variant is expected to disrupt MYO7A protein function. In summary, the available evidence is currently insufficient to determine the role of this variant in disease. Therefore, it has been classified as a Variant of Uncertain Significance.

NM_000260.4(MYO7A):c.1073T>C (p.Leu358Pro)

Gene: MYO7A (myosin VIIA; plus strand). Cytogenetic location: 11q13.5.
Variant type: single nucleotide variant.
Coding change: c.1073T>C on transcript NM_000260.4 (MANE Select); coding-DNA position 1073, T replaced by C.
Protein change: p.Leu358Pro; replaces leucine 358 with proline.
Molecular consequence: missense variant.
Genome position (GRCh38, 1-based): chr11:77,159,516, T>C. VCF-style: chr11-77159516-T-C. GRCh37 (hg19) VCF-style: chr11-76870562-T-C.
Other names: c.1073T>C, p.Leu358Pro (NM_001127180.2); c.1040T>C, p.Leu347Pro (NM_001369365.1); short protein forms L358P, L347P.
Identifiers: ClinVar variation 1476822 (VCV001476822.5), dbSNP rs1952797495, ClinGen allele CA381934094.